The following is an entry in ClinVar:

ClinVar aggregate classification (germline): Uncertain significance (1 of 4 stars; one submission).

Conditions:
Cardiovascular phenotype. Identifiers: MedGen CN230736.

Submission:

Ambry Genetics
Classification: Uncertain significance for Cardiovascular phenotype. Last evaluated: 2021-12-18. Review status: criteria provided, single submitter. Criteria: Ambry Variant Classification Scheme 2023. Collection method: clinical testing. Allele origin: germline.
Comment: The p.P67A variant (also known as c.199C>G), located in coding exon 2 of the TBX1 gene, results from a C to G substitution at nucleotide position 199. The proline at codon 67 is replaced by alanine, an amino acid with highly similar properties. This amino acid position is conserved. In addition, this alteration is predicted to be tolerated by in silico analysis. Since supporting evidence is limited at this time, the clinical significance of this alteration remains unclear.

NM_001379200.1(TBX1):c.226C>G (p.Pro76Ala)

Gene: TBX1 (T-box transcription factor 1; plus strand). Cytogenetic location: 22q11.21.
Variant type: single nucleotide variant.
Coding change: c.226C>G on transcript NM_001379200.1 (MANE Select); coding-DNA position 226, C replaced by G.
Protein change: p.Pro76Ala; replaces proline 76 with alanine.
Molecular consequence: missense variant.
Genome position (GRCh38, 1-based): chr22:19,761,069, C>G. VCF-style: chr22-19761069-C-G. GRCh37 (hg19) VCF-style: chr22-19748592-C-G.
Other names: c.199C>G, p.Pro67Ala (NM_005992.1, NM_080646.2, NM_080647.1); short protein forms P67A, P76A.
Identifiers: ClinVar variation 1784127 (VCV001784127.2), dbSNP rs1936643083, ClinGen allele CA410681410.